The following is an entry in ClinVar:

ClinVar aggregate classification (germline): Benign. Review status: criteria provided, multiple submitters, no conflicts (2 of 4 stars). 3 submissions from 3 submitters: Benign (3). Last evaluated 2026-01-19.

Allele frequency attached by ClinVar (database versions not stated): gnomAD exomes 0.00026 and 0.00064; ExAC 0.00079; ESP Exome Variant Server 0.00200; gnomAD 0.00210 and 0.00212; TOPMed 0.00241; 1000 Genomes Project 0.00339; 1000 Genomes Project 30x 0.00375.
gnomAD v4.1: 706 of 1,539,302 alleles (0.046%); highest among the groups gnomAD compares: African/African-American, 0.68%; 2 homozygotes.

Submissions (3):

Labcorp Genetics (formerly Invitae), Labcorp
Classification: Benign. Last evaluated: 2026-01-19. Review status: criteria provided, single submitter. Criteria: Invitae Variant Classification Sherloc (09022015). Collection method: clinical testing. Allele origin: germline.

GeneDx
Classification: Benign. Last evaluated: 2013-12-26. Review status: criteria provided, single submitter. Criteria: GeneDx Variant Classification (06012015). Collection method: clinical testing. Allele origin: germline. Affected: yes.
Comment: This variant is considered likely benign or benign based on one or more of the following criteria: it is a conservative change, it occurs at a poorly conserved position in the protein, it is predicted to be benign by multiple in silico algorithms, and/or has population frequency not consistent with disease.

Breakthrough Genomics
Classification: Benign. Review status: criteria provided, single submitter. Criteria: ACMG Guidelines, 2015. Collection method: not provided. Allele origin: germline. Inheritance: Unknown mechanism. Affected: yes.

NM_144736.5(NDUFAF7):c.408+16A>C

Gene: NDUFAF7 (NADH:ubiquinone oxidoreductase complex assembly factor 7; plus strand). Cytogenetic location: 2p22.2.
Variant type: single nucleotide variant.
Coding change: c.408+16A>C on transcript NM_144736.5 (MANE Select); 16 bases into the intron after coding-DNA position 408, A replaced by C.
Molecular consequence: intron variant.
Genome position (GRCh38, 1-based): chr2:37,237,883, A>C. VCF-style: chr2-37237883-A-C. GRCh37 (hg19) VCF-style: chr2-37465026-A-C.
Other names: c.408+16A>C (NM_001350024.2, NM_001350027.2); c.327+16A>C (NM_001350025.2, NM_001083946.2).
Identifiers: ClinVar variation 138468 (VCV000138468.7), dbSNP rs144797574, ClinGen allele CA292473.